The following is an entry in ClinVar:

NM_001330.5(CTF1):c.494C>T (p.Thr165Ile)

Genes: CTF1 (cardiotrophin 1; plus strand), LOC130058878 (ATAC-STARR-seq lymphoblastoid silent region 7400; plus strand). Cytogenetic location: 16p11.2.
Variant type: single nucleotide variant.
Coding change: c.494C>T on transcript NM_001330.5 (MANE Select); coding-DNA position 494, C replaced by T.
Protein change: p.Thr165Ile; replaces threonine 165 with isoleucine.
Molecular consequence: missense variant. On other transcripts: non-coding transcript variant (1).
Genome position (GRCh38, 1-based): chr16:30,902,427, C>T. VCF-style: chr16-30902427-C-T. GRCh37 (hg19) VCF-style: chr16-30913748-C-T.
Other names: c.491C>T, p.Thr164Ile (NM_001142544.3); short protein forms T165I, T164I.
Identifiers: ClinVar variation 4784818 (VCV004784818.1).

ClinVar aggregate classification (germline): Uncertain significance (1 of 4 stars; one submission).

Submission:

Labcorp Genetics (formerly Invitae), Labcorp
Classification: Uncertain significance. Last evaluated: 2025-04-29. Review status: criteria provided, single submitter. Criteria: Invitae Variant Classification Sherloc (09022015). Collection method: clinical testing. Allele origin: germline.
Comment: This sequence change replaces threonine, which is neutral and polar, with isoleucine, which is neutral and non-polar, at codon 165 of the CTF1 protein (p.Thr165Ile). This variant is not present in population databases (gnomAD no frequency). This variant has not been reported in the literature in individuals affected with CTF1-related conditions. An algorithm developed to predict the effect of missense changes on protein structure and function (PolyPhen-2) suggests that this variant is likely to be tolerated. In summary, the available evidence is currently insufficient to determine the role of this variant in disease. Therefore, it has been classified as a Variant of Uncertain Significance.